The following is an entry in ClinVar:

ClinVar aggregate classification (germline): Uncertain significance (1 of 4 stars; one submission).

Conditions:
Nephronophthisis 12 (NPHP12). Identifiers: Orphanet 655, MedGen C3151186, MONDO:0013442, OMIM 613820.

Allele frequency attached by ClinVar (database versions not stated): gnomAD exomes below 0.00001.
gnomAD v4.1: 2 of 1,606,270 alleles (0.00012%); highest among the groups gnomAD compares: Non-Finnish European, 0.000085%; no homozygotes.

Submission:

Precision Medicine Center, Zhengzhou University
Classification: Uncertain significance for Nephronophthisis 12. Last evaluated: 2023-12-01. Review status: criteria provided, single submitter. Criteria: ACMG Guidelines, 2015. Collection method: clinical testing. Allele origin: de novo. Affected: yes.
Comment: PM2_p,PP3

NM_024753.5(TTC21B):c.2211+3A>G

Gene: TTC21B (tetratricopeptide repeat domain 21B; minus strand). Cytogenetic location: 2q24.3.
Variant type: single nucleotide variant.
Coding change: c.2211+3A>G on transcript NM_024753.5 (MANE Select); 3 bases into the intron after coding-DNA position 2211, A replaced by G.
Molecular consequence: intron variant.
Genome position (GRCh38, 1-based): chr2:165,913,571, T>C on the plus strand (A>G on the coding strand, the complement: TTC21B is on the minus strand). VCF-style: chr2-165913571-T-C. GRCh37 (hg19) VCF-style: chr2-166770081-T-C.
Identifiers: ClinVar variation 2681767 (VCV002681767.2), dbSNP rs2468171883.
Genomic context (GRCh38, chr2:165,913,571, plus strand): 5'-GGAAGTTGTACTCATCACAAATAATTTTTTAAAAATGCAGTTCAGTAACATCAGAAATTT[T>C]ACCTCTAGAATATTCATGTATGCATCACCAAGGAGAAGAAAAGACCGAGGGTTAGCCATT-3'